The following is an entry in ClinVar:

ClinVar aggregate classification (germline): Pathogenic/Likely pathogenic. Review status: criteria provided, multiple submitters, no conflicts (2 of 4 stars). 5 submissions from 5 submitters: Pathogenic (3); Likely pathogenic (2). Last evaluated 2025-05-21.

Conditions:
Neurofibromatosis, type 1 (NF1). Also called: VON RECKLINGHAUSEN DISEASE; NEUROFIBROMATOSIS, TYPE I, SOMATIC; Peripheral type neurofibromatosis; Neurofibromatosis, type I. Identifiers: Orphanet 636, MedGen C0027831, MONDO:0018975, OMIM 162200. Disease mechanism: loss of function.
Cardiovascular phenotype. Identifiers: MedGen CN230736.
Hereditary cancer-predisposing syndrome. Also called: Neoplastic Syndromes, Hereditary; Tumor predisposition; Hereditary neoplastic syndrome; Hereditary Cancer Syndrome. Identifiers: Orphanet 140162, MedGen C0027672, MeSH D009386, MONDO:0015356.

Submissions (5):

Ambry Genetics
Classification: Likely pathogenic for Cardiovascular phenotype; Hereditary cancer-predisposing syndrome. Last evaluated: 2025-05-21. Review status: criteria provided, single submitter. Criteria: Ambry Variant Classification Scheme 2023. Collection method: clinical testing. Allele origin: germline.
Comment: The c.6085-1G>C intronic variant results from a G to C substitution one nucleotide upstream from coding exon 41 of the NF1 gene. This variant was reported in individual(s) with features consistent with neurofibromatosis type 1 (NF1) (Ambry internal data). This variant is considered to be rare based on population cohorts in the Genome Aggregation Database (gnomAD). This nucleotide position is highly conserved in available vertebrate species. In silico splice site analysis predicts that this alteration will weaken the native splice acceptor site. Alterations that disrupt the canonical splice site are expected to cause aberrant splicing, resulting in an abnormal protein or a transcript that is subject to nonsense-mediated mRNA decay. As such, this alteration is classified as likely pathogenic.

GeneDx
Classification: Pathogenic. Last evaluated: 2025-01-10. Review status: criteria provided, single submitter. Criteria: GeneDx Variant Classification Process June 2021. Collection method: clinical testing. Allele origin: germline. Affected: yes.
Comment: Canonical splice site variant predicted to result in a null allele in a gene for which loss of function is a known mechanism of disease; Not observed at significant frequency in large population cohorts (gnomAD); Has not been previously published as pathogenic or benign to our knowledge

Labcorp Genetics (formerly Invitae), Labcorp
Classification: Pathogenic for Neurofibromatosis, type 1. Last evaluated: 2023-09-04. Review status: criteria provided, single submitter. Criteria: Invitae Variant Classification Sherloc (09022015). Collection method: clinical testing. Allele origin: germline.
Comment: This sequence change affects an acceptor splice site in intron 40 of the NF1 gene. It is expected to disrupt RNA splicing. Variants that disrupt the donor or acceptor splice site typically lead to a loss of protein function (PMID: 16199547), and loss-of-function variants in NF1 are known to be pathogenic (PMID: 10712197, 23913538). This variant is not present in population databases (gnomAD no frequency). For these reasons, this variant has been classified as Pathogenic. Algorithms developed to predict the effect of sequence changes on RNA splicing suggest that this variant may disrupt the consensus splice site. ClinVar contains an entry for this variant (Variation ID: 527537). Disruption of this splice site has been observed in individual(s) with neurofibromatosis type 1 (PMID: 28422438).

Genome-Nilou Lab
Classification: Pathogenic for Neurofibromatosis, type 1. Last evaluated: 2022-03-15. Review status: criteria provided, single submitter. Criteria: ACMG Guidelines, 2015. Collection method: clinical testing. Allele origin: germline. Affected: no.

Genome Diagnostics Laboratory, The Hospital for Sick Children
Classification: Likely pathogenic for Neurofibromatosis, type 1. Last evaluated: 2020-10-26. Review status: criteria provided, single submitter. Criteria: ACMG Guidelines, 2015. Collection method: clinical testing. Allele origin: germline. Affected: yes.

Literature cited by the submitters: PubMed 16199547 (cited by Labcorp Genetics (formerly Invitae), Labcorp); PubMed 10712197 (cited by Labcorp Genetics (formerly Invitae), Labcorp); PubMed 23913538 (cited by Labcorp Genetics (formerly Invitae), Labcorp); PubMed 28422438 (cited by Labcorp Genetics (formerly Invitae), Labcorp).

NM_001042492.3(NF1):c.6148-1G>C

Gene: NF1 (neurofibromin 1; plus strand). Cytogenetic location: 17q11.2.
Variant type: single nucleotide variant.
Coding change: c.6148-1G>C on transcript NM_001042492.3 (MANE Select); the canonical splice acceptor site of the intron before coding-DNA position 6148, G replaced by C.
Molecular consequence: splice acceptor variant.
Genome position (GRCh38, 1-based): chr17:31,336,634, G>C. VCF-style: chr17-31336634-G-C. GRCh37 (hg19) VCF-style: chr17-29663652-G-C.
Other names: c.6085-1G>C (NM_000267.4).
Identifiers: ClinVar variation 527537 (VCV000527537.12), dbSNP rs1555534661, ClinGen allele CA399011666.